The following is an entry in ClinVar:

ClinVar aggregate classification (germline): Uncertain significance (1 of 4 stars; one submission).

Allele frequency attached by ClinVar (database versions not stated): gnomAD exomes below 0.00001; gnomAD 0.00001.

Submission:

Labcorp Genetics (formerly Invitae), Labcorp
Classification: Uncertain significance. Last evaluated: 2021-11-12. Review status: criteria provided, single submitter. Criteria: Invitae Variant Classification Sherloc (09022015). Collection method: clinical testing. Allele origin: germline.
Comment: In summary, the available evidence is currently insufficient to determine the role of this variant in disease. Therefore, it has been classified as a Variant of Uncertain Significance. Algorithms developed to predict the effect of missense changes on protein structure and function are either unavailable or do not agree on the potential impact of this missense change (SIFT: "Deleterious"; PolyPhen-2: "Benign"; Align-GVGD: "Class C0"). This variant has not been reported in the literature in individuals affected with HMX1-related conditions. This variant is present in population databases (no rsID available, gnomAD 0.01%). This sequence change replaces glutamic acid, which is acidic and polar, with glycine, which is neutral and non-polar, at codon 148 of the HMX1 protein (p.Glu148Gly).

NM_018942.3(HMX1):c.443A>G (p.Glu148Gly)

Gene: HMX1 (H6 family homeobox 1; minus strand). Cytogenetic location: 4p16.1.
Variant type: single nucleotide variant.
Coding change: c.443A>G on transcript NM_018942.3 (MANE Select); coding-DNA position 443, A replaced by G.
Protein change: p.Glu148Gly; replaces glutamic acid 148 with glycine.
Molecular consequence: missense variant. On other transcripts: intron variant (1).
Genome position (GRCh38, 1-based): chr4:8,868,297, T>C on the plus strand (A>G on the coding strand, the complement: HMX1 is on the minus strand). VCF-style: chr4-8868297-T-C. GRCh37 (hg19) VCF-style: chr4-8870023-T-C.
Other names: c.394+2924A>G (NM_001306142.2); short protein forms E148G.
Identifiers: ClinVar variation 1498172 (VCV001498172.6), dbSNP rs1262055739, ClinGen allele CA356278601.